The following is an entry in ClinVar:

NM_003640.5(ELP1):c.2794C>T (p.Gln932Ter)

Gene: ELP1 (elongator acetyltransferase complex subunit 1; minus strand). Cytogenetic location: 9q31.3.
Variant type: single nucleotide variant.
Coding change: c.2794C>T on transcript NM_003640.5 (MANE Select); coding-DNA position 2794, C replaced by T.
Protein change: p.Gln932Ter; replaces glutamine 932 with a stop codon.
Molecular consequence: nonsense.
Genome position (GRCh38, 1-based): chr9:108,894,009, G>A on the plus strand (C>T on the coding strand, the complement: ELP1 is on the minus strand). VCF-style: chr9-108894009-G-A. GRCh37 (hg19) VCF-style: chr9-111656289-G-A.
Other names: c.1747C>T, p.Gln583Ter (NM_001330749.2); c.2452C>T, p.Gln818Ter (NM_001318360.2); short protein forms Q583*, Q818*, Q932*.
Identifiers: ClinVar variation 4815207 (VCV004815207.1).

ClinVar aggregate classification (germline): Likely pathogenic (1 of 4 stars; one submission).

Conditions:
Familial dysautonomia. Also called: HSAN III; FD. Identifiers: Orphanet 1764, MedGen C0013364, MONDO:0009131, OMIM 223900. Disease mechanism: loss of function.

gnomAD v4.1: 2 of 1,597,616 alleles (0.00013%); highest among the groups gnomAD compares: Non-Finnish European, 0.00017%; no homozygotes.

Submission:

Natera, Inc.
Classification: Likely pathogenic for Familial dysautonomia. Last evaluated: 2024-08-05. Review status: criteria provided, single submitter. Criteria: Natera Variant Classification Schema (03/2026). Collection method: clinical testing. Allele origin: germline.
Comment: The c.2794C>T variant in ELP1 is a nonsense variant predicted to introduce a stop codon at amino acid 932. This variant is expected to result in nonsense mediated decay, truncation, or a dysfunctional protein product. This variant is rare in the general population with a frequency below the threshold expected for the associated phenotype(s). Given the available evidence, this variant is classified as Likely Pathogenic.